The following is an entry in ClinVar:

ClinVar aggregate classification (germline): Uncertain significance (1 of 4 stars; one submission).

Conditions:
Inborn genetic diseases. Identifiers: MedGen C0950123, MeSH D030342.

Submission:

Ambry Genetics
Classification: Uncertain significance for Inborn genetic diseases. Last evaluated: 2021-07-28. Review status: criteria provided, single submitter. Criteria: Ambry Variant Classification Scheme 2023. Collection method: clinical testing. Allele origin: germline.
Comment: The p.P245L variant (also known as c.734C>T), located in coding exon 7 of the NTRK1 gene, results from a C to T substitution at nucleotide position 734. The proline at codon 245 is replaced by leucine, an amino acid with similar properties. This amino acid position is well conserved in available vertebrate species; however, leucine is the reference amino acid in other vertebrate species. In addition, this alteration is predicted to be tolerated by in silico analysis. Since supporting evidence is limited at this time, the clinical significance of this alteration remains unclear.

NM_002529.4(NTRK1):c.734C>T (p.Pro245Leu)

Gene: NTRK1 (neurotrophic receptor tyrosine kinase 1; plus strand). Cytogenetic location: 1q23.1.
Variant type: single nucleotide variant.
Coding change: c.734C>T on transcript NM_002529.4 (MANE Select); coding-DNA position 734, C replaced by T.
Protein change: p.Pro245Leu; replaces proline 245 with leucine.
Molecular consequence: missense variant.
Genome position (GRCh38, 1-based): chr1:156,871,639, C>T. VCF-style: chr1-156871639-C-T. GRCh37 (hg19) VCF-style: chr1-156841431-C-T.
Other names: c.734C>T, p.Pro245Leu (NM_001007204.1, NM_001012331.2); c.644C>T, p.Pro215Leu (NM_001007792.1); short protein forms P215L, P245L.
Identifiers: ClinVar variation 1758443 (VCV001758443.2), dbSNP rs2525604438, ClinGen allele CA342935048.
Genomic context (GRCh38, chr1:156,871,639, plus strand): 5'-TGGCTAAAGCTCCTTCTTATTCCCCCCTCTCTTTCCTGATCTAGAAATCTGGGGGTCTGC[C>T]ATCCCTGGGGCTGACCCTGGCCAATGTCACCAGTGACCTCAACAGGAAGAACGTGACGTG-3'
Protein context (NP_002520.2, residues 235-255): SATVMKSGGL[Pro245Leu]SLGLTLANVT